The following is an entry in ClinVar:

NM_001365951.3(KIF1B):c.2672G>C (p.Gly891Ala)

Gene: KIF1B (kinesin family member 1B; plus strand). Cytogenetic location: 1p36.22.
Variant type: single nucleotide variant.
Coding change: c.2672G>C on transcript NM_001365951.3 (MANE Select); coding-DNA position 2672, G replaced by C.
Protein change: p.Gly891Ala; replaces glycine 891 with alanine.
Molecular consequence: missense variant.
Genome position (GRCh38, 1-based): chr1:10,324,892, G>C. VCF-style: chr1-10324892-G-C. GRCh37 (hg19) VCF-style: chr1-10384950-G-C.
Other names: c.2672G>C, p.Gly891Ala (NM_001365952.1); c.2534G>C, p.Gly845Ala (NM_015074.3); short protein forms G891A, G845A.
Identifiers: ClinVar variation 1792743 (VCV001792743.2), dbSNP rs1379489043, ClinGen allele CA338335849.

ClinVar aggregate classification (germline): Uncertain significance (1 of 4 stars; one submission).

Allele frequency attached by ClinVar (database versions not stated): TOPMed 0.00001.

Submission:

Ambry Genetics
Classification: Uncertain significance. Last evaluated: 2022-06-08. Review status: criteria provided, single submitter. Criteria: Ambry Variant Classification Scheme 2023. Collection method: clinical testing. Allele origin: germline.
Comment: The p.G845A variant (also known as c.2534G>C), located in coding exon 23 of the KIF1B gene, results from a G to C substitution at nucleotide position 2534. The glycine at codon 845 is replaced by alanine, an amino acid with similar properties. This amino acid position is conserved. In addition, this alteration is predicted to be deleterious by in silico analysis. Since supporting evidence is limited at this time, the clinical significance of this alteration remains unclear.